The following is an entry in ClinVar:

NM_007272.3(CTRC):c.362A>G (p.Asp121Gly)

Gene: CTRC (chymotrypsin C; plus strand). Cytogenetic location: 1p36.21.
Variant type: single nucleotide variant.
Coding change: c.362A>G on transcript NM_007272.3 (MANE Select); coding-DNA position 362, A replaced by G.
Protein change: p.Asp121Gly; replaces aspartic acid 121 with glycine.
Molecular consequence: missense variant.
Genome position (GRCh38, 1-based): chr1:15,443,424, A>G. VCF-style: chr1-15443424-A-G. GRCh37 (hg19) VCF-style: chr1-15769919-A-G.
Other names: c.362A>G (NM_007272.2); short protein forms D121G.
Identifiers: ClinVar variation 2189683 (VCV002189683.8), dbSNP rs1257419103, ClinGen allele CA338565873.
Genomic context (GRCh38, chr1:15,443,424, plus strand): 5'-AGCTTGTGGGGCCAGGGCCCTCCTGCCCACTCACCCTCTCCACTTTGGATTCCAGCAATG[A>G]TATTGCCCTCATCAAGCTTGCAGAGCATGTGGAGCTGAGTGACACCATCCAGGTGGCCTG-3'
Protein context (NP_009203.2, residues 111-131): KRWNALLLRN[Asp121Gly]IALIKLAEHV

ClinVar aggregate classification (germline): Uncertain significance. Review status: criteria provided, multiple submitters, no conflicts (2 of 4 stars). 3 submissions from 3 submitters: Uncertain significance (3). Last evaluated 2025-11-12.

Conditions:
CTRC-related disorder. Also called: CTRC-related condition.
Hereditary pancreatitis (PCTT). Also called: PRSS1-Related Hereditary Pancreatitis; Hereditary chronic pancreatitis. Identifiers: Orphanet 676, MedGen C0238339, MONDO:0008185, OMIM 167800.

Submissions (3):

PreventionGenetics, part of Exact Sciences
Classification: Uncertain significance for CTRC-related condition. Last evaluated: 2025-11-12. Review status: criteria provided, single submitter. Criteria: ACMG Guidelines, 2015. Collection method: clinical testing. Allele origin: germline.
Comment: The CTRC c.362A>G variant is predicted to result in the amino acid substitution p.Asp121Gly. To our knowledge, this variant has not been reported in the literature. This variant is reported in 0.00088% of alleles in individuals of European (Non-Finnish) descent in gnomAD. At this time, the clinical significance of this variant is uncertain due to the absence of conclusive functional and genetic evidence.

Ambry Genetics
Classification: Uncertain significance for Hereditary pancreatitis. Last evaluated: 2025-06-22. Review status: criteria provided, single submitter. Criteria: Ambry Variant Classification Scheme 2023. Collection method: clinical testing. Allele origin: germline.
Comment: The p.D121G variant (also known as c.362A>G), located in coding exon 5 of the CTRC gene, results from an A to G substitution at nucleotide position 362. The aspartic acid at codon 121 is replaced by glycine, an amino acid with similar properties. This amino acid position is highly conserved in available vertebrate species. In addition, this alteration is predicted to be deleterious by in silico analysis. Since supporting evidence is limited at this time, the clinical significance of this alteration remains unclear.

Labcorp Genetics (formerly Invitae), Labcorp
Classification: Uncertain significance for Hereditary pancreatitis. Last evaluated: 2022-07-12. Review status: criteria provided, single submitter. Criteria: Invitae Variant Classification Sherloc (09022015). Collection method: clinical testing. Allele origin: germline.
Comment: In summary, the available evidence is currently insufficient to determine the role of this variant in disease. Therefore, it has been classified as a Variant of Uncertain Significance. Algorithms developed to predict the effect of sequence changes on RNA splicing suggest that this variant may disrupt the consensus splice site. Advanced modeling of protein sequence and biophysical properties (such as structural, functional, and spatial information, amino acid conservation, physicochemical variation, residue mobility, and thermodynamic stability) performed at Invitae indicates that this missense variant is expected to disrupt CTRC protein function. This variant has not been reported in the literature in individuals affected with CTRC-related conditions. This variant is present in population databases (no rsID available, gnomAD 0.0009%). This sequence change replaces aspartic acid, which is acidic and polar, with glycine, which is neutral and non-polar, at codon 121 of the CTRC protein (p.Asp121Gly).